The following is an entry in ClinVar:

ClinVar aggregate classification (germline): Uncertain significance (1 of 4 stars; one submission).

Conditions:
Predisposition to Wilms tumor.

Submission:

St. Jude Molecular Pathology, St. Jude Children's Research Hospital
Classification: Uncertain significance for Predisposition to Wilms tumor. Last evaluated: 2024-07-16. Review status: criteria provided, single submitter. Criteria: St. Jude Assertion Criteria 2020. Collection method: clinical testing. Allele origin: germline.
Comment: The NYNRIN c.861C>G (p.Val287=) synonymous change is absent in gnomAD v2.1.1. Algorithms that predict the impact of sequence changes on splicing indicate that this change may impact splicing, but to our knowledge these predictions have not been confirmed by RNA studies. To our knowledge, this variant has not been reported in individuals with Wilms tumor. In summary, the evidence currently available is insufficient to determine the clinical significance of this variant. It has therefore been classified as of uncertain significance.

NM_025081.3(NYNRIN):c.861C>G (p.Val287=)

Gene: NYNRIN (NYN domain and retroviral integrase containing; plus strand). Cytogenetic location: 14q12.
Variant type: single nucleotide variant.
Coding change: c.861C>G on transcript NM_025081.3 (MANE Select); coding-DNA position 861, C replaced by G.
Protein change: p.Val287=; no amino-acid change (valine 287 retained).
Molecular consequence: synonymous variant.
Genome position (GRCh38, 1-based): chr14:24,408,655, C>G. VCF-style: chr14-24408655-C-G. GRCh37 (hg19) VCF-style: chr14-24877861-C-G.
Identifiers: ClinVar variation 3602681 (VCV003602681.1).